The following is an entry in ClinVar:

NM_018127.7(ELAC2):c.520G>A (p.Glu174Lys)

Gene: ELAC2 (elaC ribonuclease Z 2; minus strand). Cytogenetic location: 17p12.
Variant type: single nucleotide variant.
Coding change: c.520G>A on transcript NM_018127.7 (MANE Select); coding-DNA position 520, G replaced by A.
Protein change: p.Glu174Lys; replaces glutamic acid 174 with lysine.
Molecular consequence: missense variant.
Genome position (GRCh38, 1-based): chr17:13,013,246, C>T on the plus strand (G>A on the coding strand, the complement: ELAC2 is on the minus strand). VCF-style: chr17-13013246-C-T. GRCh37 (hg19) VCF-style: chr17-12916563-C-T.
Other names: c.520G>A, p.Glu174Lys (NM_001165962.2, NM_173717.2); c.520G>A (NM_001165962.1); short protein forms E174K.
Identifiers: ClinVar variation 845391 (VCV000845391.6), dbSNP rs374954001, ClinGen allele CA8401613.

ClinVar aggregate classification (germline): Conflicting classifications of pathogenicity. Review status: criteria provided, conflicting classifications (1 of 4 stars). 3 submissions from 3 submitters: Uncertain significance (2); Benign (1). Last evaluated 2022-10-13.

Conditions:
Ovarian cancer. Also called: OVARIAN CANCER, SOMATIC. Identifiers: Orphanet 213500, MedGen C1140680, MONDO:0008170, OMIM 167000.
Combined oxidative phosphorylation defect type 17. Also called: Combined oxidative phosphorylation deficiency 17. Identifiers: Orphanet 369913, MedGen C3809526, MONDO:0014190, OMIM 615440.
Prostate cancer, hereditary, 2 (HPC2). Identifiers: Orphanet 1331, MedGen C3539120, MONDO:0013872, OMIM 614731.

Allele frequency attached by ClinVar (database versions not stated): TOPMed 0.00008; 1000 Genomes Project 30x 0.00016; ExAC 0.00017; gnomAD exomes 0.00017 and 0.00019; 1000 Genomes Project 0.00020.
gnomAD v4.1: 308 of 1,614,142 alleles (0.019%); highest among the groups gnomAD compares: East Asian, 0.58%; 1 homozygote.

Submissions (3):

Labcorp Genetics (formerly Invitae), Labcorp
Classification: Uncertain significance for Combined oxidative phosphorylation defect type 17. Last evaluated: 2022-10-13. Review status: criteria provided, single submitter. Criteria: Invitae Variant Classification Sherloc (09022015). Collection method: clinical testing. Allele origin: germline.
Comment: This sequence change replaces glutamic acid, which is acidic and polar, with lysine, which is basic and polar, at codon 174 of the ELAC2 protein (p.Glu174Lys). This variant is present in population databases (rs374954001, gnomAD 0.2%). This variant has not been reported in the literature in individuals affected with ELAC2-related conditions. ClinVar contains an entry for this variant (Variation ID: 845391). Advanced modeling of protein sequence and biophysical properties (such as structural, functional, and spatial information, amino acid conservation, physicochemical variation, residue mobility, and thermodynamic stability) performed at Invitae indicates that this missense variant is not expected to disrupt ELAC2 protein function. In summary, the available evidence is currently insufficient to determine the role of this variant in disease. Therefore, it has been classified as a Variant of Uncertain Significance.

Laboratory of Molecular Epidemiology of Birth Defects, West China Second University Hospital, Sichuan University
Classification: Benign for Ovarian cancer. Last evaluated: 2022-01-01. Review status: criteria provided, single submitter. Criteria: ACMG Guidelines, 2015. Collection method: clinical testing. Allele origin: germline. Affected: yes.

Fulgent Genetics
Classification: Uncertain significance for Prostate cancer, hereditary, 2; Combined oxidative phosphorylation defect type 17. Last evaluated: 2021-09-08. Review status: criteria provided, single submitter. Criteria: ACMG Guidelines, 2015. Collection method: clinical testing. Allele origin: unknown.